The following is an entry in ClinVar:

NM_145290.4(ADGRA3):c.1091C>T (p.Pro364Leu)

Gene: ADGRA3 (adhesion G protein-coupled receptor A3; minus strand). Cytogenetic location: 4p15.2.
Variant type: single nucleotide variant.
Coding change: c.1091C>T on transcript NM_145290.4 (MANE Select); coding-DNA position 1091, C replaced by T.
Protein change: p.Pro364Leu; replaces proline 364 with leucine.
Molecular consequence: missense variant.
Genome position (GRCh38, 1-based): chr4:22,436,636, G>A on the plus strand (C>T on the coding strand, the complement: ADGRA3 is on the minus strand). VCF-style: chr4-22436636-G-A. GRCh37 (hg19) VCF-style: chr4-22438259-G-A.
Other names: short protein forms P364L.
Identifiers: ClinVar variation 941138 (VCV000941138.9), dbSNP rs1716406956, ClinGen allele CA356482452.

ClinVar aggregate classification (germline): Uncertain significance (1 of 4 stars; one submission).

Submission:

Labcorp Genetics (formerly Invitae), Labcorp
Classification: Uncertain significance. Last evaluated: 2025-12-08. Review status: criteria provided, single submitter. Criteria: Invitae Variant Classification Sherloc (09022015). Collection method: clinical testing. Allele origin: germline.
Comment: This sequence change replaces proline, which is neutral and non-polar, with leucine, which is neutral and non-polar, at codon 364 of the ADGRA3 protein (p.Pro364Leu). This variant is not present in population databases (gnomAD no frequency). This variant has not been reported in the literature in individuals affected with ADGRA3-related conditions. ClinVar contains an entry for this variant (Variation ID: 941138). An algorithm developed to predict the effect of missense changes on protein structure and function (PolyPhen-2) suggests that this variant is likely to be disruptive. In summary, the available evidence is currently insufficient to determine the role of this variant in disease. Therefore, it has been classified as a Variant of Uncertain Significance.